The following is an entry in ClinVar:

ClinVar aggregate classification (germline): Uncertain significance (1 of 4 stars; one submission).

Conditions:
Neonatal-onset encephalopathy with rigidity and seizures. Also called: Lethal neonatal spasticity-epileptic encephalopathy syndrome. Identifiers: Orphanet 435845, MedGen C3281029, MONDO:0013784, OMIM 614498.

Allele frequency attached by ClinVar (database versions not stated): gnomAD exomes below 0.00001.
gnomAD v4.1: 1 of 1,574,338 alleles (0.000064%); highest among the groups gnomAD compares: Non-Finnish European, 0.000086%; no homozygotes.

Submission:

Labcorp Genetics (formerly Invitae), Labcorp
Classification: Uncertain significance for Neonatal-onset encephalopathy with rigidity and seizures. Last evaluated: 2021-04-09. Review status: criteria provided, single submitter. Criteria: Invitae Variant Classification Sherloc (09022015). Collection method: clinical testing. Allele origin: germline.
Comment: This sequence change replaces threonine with serine at codon 525 of the BRAT1 protein (p.Thr525Ser). The threonine residue is highly conserved and there is a small physicochemical difference between threonine and serine. This variant is not present in population databases (ExAC no frequency). This variant has not been reported in the literature in individuals with BRAT1-related conditions. Algorithms developed to predict the effect of missense changes on protein structure and function (SIFT, PolyPhen-2, Align-GVGD) all suggest that this variant is likely to be tolerated, but these predictions have not been confirmed by published functional studies and their clinical significance is uncertain. In summary, the available evidence is currently insufficient to determine the role of this variant in disease. Therefore, it has been classified as a Variant of Uncertain Significance.

NM_152743.4(BRAT1):c.1574C>G (p.Thr525Ser)

Gene: BRAT1 (BRCA1 associated ATM activator 1; minus strand). Cytogenetic location: 7p22.3.
Variant type: single nucleotide variant.
Coding change: c.1574C>G on transcript NM_152743.4 (MANE Select); coding-DNA position 1574, C replaced by G.
Protein change: p.Thr525Ser; replaces threonine 525 with serine.
Molecular consequence: missense variant. On other transcripts: non-coding transcript variant (1).
Genome position (GRCh38, 1-based): chr7:2,539,567, G>C on the plus strand (C>G on the coding strand, the complement: BRAT1 is on the minus strand). VCF-style: chr7-2539567-G-C. GRCh37 (hg19) VCF-style: chr7-2579201-G-C.
Other names: c.1574C>G, p.Thr525Ser (NM_001350626.2); c.1049C>G, p.Thr350Ser (NM_001350627.2); short protein forms T525S, T350S.
Identifiers: ClinVar variation 1036647 (VCV001036647.8), dbSNP rs1292583379, ClinGen allele CA366627527.